The following is an entry in ClinVar:

ClinVar aggregate classification (germline): Benign (1 of 4 stars; one submission).

Conditions:
Oligodontia-cancer predisposition syndrome. Also called: TOOTH AGENESIS-COLORECTAL CANCER SYNDROME. Identifiers: Orphanet 300576, MedGen C1837750, MONDO:0012075, OMIM 608615. Disease mechanism: loss of function.

gnomAD v4.1: 1 of 1,614,166 alleles (0.000062%); highest among the groups gnomAD compares: East Asian, 0.0022%; no homozygotes.

Submission:

Myriad Genetics, Inc.
Classification: Benign for Oligodontia-cancer predisposition syndrome. Last evaluated: 2024-07-11. Review status: criteria provided, single submitter. Criteria: Myriad Autosomal Dominant, Autosomal Recessive and X-Linked Classification Criteria (2023). Collection method: clinical testing. Allele origin: unknown.
Comment: This variant is considered benign. This variant is a silent/synonymous amino acid change and it is not expected to impact splicing.

NM_004655.4(AXIN2):c.2484C>G (p.Leu828=)

Gene: AXIN2 (axin 2; minus strand). Cytogenetic location: 17q24.1.
Variant type: single nucleotide variant.
Coding change: c.2484C>G on transcript NM_004655.4 (MANE Select); coding-DNA position 2484, C replaced by G.
Protein change: p.Leu828=; no amino-acid change (leucine 828 retained).
Molecular consequence: synonymous variant.
Genome position (GRCh38, 1-based): chr17:65,530,024, G>C on the plus strand (C>G on the coding strand, the complement: AXIN2 is on the minus strand). VCF-style: chr17-65530024-G-C. GRCh37 (hg19) VCF-style: chr17-63526142-G-C.
Other names: c.2289C>G, p.Leu763= (NM_001363813.1).
Identifiers: ClinVar variation 3379090 (VCV003379090.1).
Genomic context (GRCh38, chr17:65,530,024, plus strand): 5'-AGACCCCAGGGCTCAATCGATCCGCTCCACTTTGCCCAGAATCCGGCCTTCATACATCGG[G>C]AGCACCGTCTCATCCTCCCAGATCTCCTCAAACACCGCTCCACAGGCAAACTCATCGCTT-3'
Protein context (NP_004646.3, residues 818-838): FEEIWEDETV[Leu828=]PMYEGRILGK